The following is an entry in ClinVar:

ClinVar aggregate classification (germline): Uncertain significance (1 of 4 stars; one submission).

Conditions:
Sitosterolemia 2. Identifiers: MedGen C5231453, MONDO:0020748, OMIM 618666.

Submission:

Department of Traditional Chinese Medicine, Fujian Provincial Hospital
Classification: Uncertain significance for Sitosterolemia 2. Review status: criteria provided, single submitter. Criteria: ACMG Guidelines, 2015. Collection method: research. Allele origin: inherited.
Comment: This mutation changed the nucleotide at the 1396th position in the coding sequence of ABCG5 gene from guanine nucleotide (G) to cytosine nucleotide (C), which led to the change of amino acid at the 466th position in protein from alanine (Ala) to proline (Pro), which was a missense mutation. According to ACMG guidelines, this mutation point is consistent with PM2_Supporting (Absent from controls in Exome Sequencing Project, 1000 Genomes or ExAC)+PM3 (For recessive disorders, detected in trans with a pathogenic variant) +PP3 (Multiple lines of computational evidence support a deleterious effect on the gene or gene product), so it is considered as a mutation point with unknown clinical significance.

Literature cited by the submitters: PubMed 32166861.

NM_022436.3(ABCG5):c.1396G>C (p.Ala466Pro)

Genes: DYNC2LI1 (dynein cytoplasmic 2 light intermediate chain 1; plus strand), ABCG5 (ATP binding cassette subfamily G member 5; minus strand). Cytogenetic location: 2p21.
Variant type: single nucleotide variant.
Coding change: c.1396G>C on transcript NM_022436.3 (MANE Select); coding-DNA position 1396, G replaced by C.
Protein change: p.Ala466Pro; replaces alanine 466 with proline.
Molecular consequence: missense variant. On other transcripts: intron variant (2).
Genome position (GRCh38, 1-based): chr2:43,822,864, C>G on the plus strand (G>C on the coding strand, the complement: ABCG5 is on the minus strand). VCF-style: chr2-43822864-C-G. GRCh37 (hg19) VCF-style: chr2-44050003-C-G.
Other names: c.*16-4522C>G (NM_001348913.2, NM_001348912.2); short protein forms A466P.
Identifiers: ClinVar variation 4279000 (VCV004279000.1).
Genomic context (GRCh38, chr2:43,822,864, plus strand): 5'-ACACACTGCTGAAAATCATGGTGGCAACAACGCTGAAGGGGAGGACGTGCAGTGCATAGG[C>G]CAGCATCATCTGCCACTTCTGGTAGAGGCCGTCCTGACTCTCCTGGTCGCTGACAGCTCG-3'
Protein context (NP_071881.1, residues 456-476): GLYQKWQMML[Ala466Pro]YALHVLPFSV